The following is an entry in ClinVar:

ClinVar aggregate classification (germline): Likely benign. Review status: criteria provided, multiple submitters, no conflicts (2 of 4 stars). 2 submissions from 2 submitters: Likely benign (2). Last evaluated 2024-10-22.

Conditions:
PHIP-related disorder. Also called: PHIP-related condition; PHIP-related disorders.

Submissions (2):

PreventionGenetics, part of Exact Sciences
Classification: Likely benign for PHIP-related condition. Last evaluated: 2024-10-22. Review status: criteria provided, single submitter. Criteria: ACMG Guidelines, 2015. Collection method: clinical testing. Allele origin: germline.
Comment: This variant is classified as likely benign based on ACMG/AMP sequence variant interpretation guidelines (Richards et al. 2015 PMID: 25741868, with internal and published modifications).

Labcorp Genetics (formerly Invitae), Labcorp
Classification: Likely benign. Last evaluated: 2024-04-10. Review status: criteria provided, single submitter. Criteria: Invitae Variant Classification Sherloc (09022015). Collection method: clinical testing. Allele origin: germline.

NM_017934.7(PHIP):c.1524+9_1524+11del

Gene: PHIP (PHIP subunit of CUL4-Ring ligase complex; minus strand). Cytogenetic location: 6q14.1.
Variant type: Deletion.
Coding change: c.1524+9_1524+11del on transcript NM_017934.7 (MANE Select); bases 9 to 11 of the intron after coding-DNA position 1524, 3 bases deleted (CAT; older notation c.1524+9_1524+11delCAT).
Molecular consequence: intron variant.
Genome position (GRCh38, 1-based): chr6:79,015,071-79,015,073, ATG deleted on the plus strand (CAT on the coding strand, the reverse complement: PHIP is on the minus strand); deleting any 3 consecutive bases within chr6:79,015,071-79,015,075 gives the same sequence; the c. name uses the placement nearest the transcript's 3' end. VCF-style (leftmost placement, unchanged base first): chr6-79015070-AATG-A. GRCh37 (hg19) VCF-style: chr6-79724787-AATG-A.
Other names: c.1524+9_1524+11delCAT (NM_017934.6).
Identifiers: ClinVar variation 3699819 (VCV003699819.3).